The following is an entry in ClinVar:

NM_198334.3(GANAB):c.1563G>T (p.Trp521Cys)

Gene: GANAB (glucosidase II alpha subunit; minus strand). Cytogenetic location: 11q12.3.
Variant type: single nucleotide variant.
Coding change: c.1563G>T on transcript NM_198334.3 (MANE Select); coding-DNA position 1563, G replaced by T.
Protein change: p.Trp521Cys; replaces tryptophan 521 with cysteine.
Molecular consequence: missense variant.
Genome position (GRCh38, 1-based): chr11:62,630,227, C>A on the plus strand (G>T on the coding strand, the complement: GANAB is on the minus strand). VCF-style: chr11-62630227-C-A. GRCh37 (hg19) VCF-style: chr11-62397699-C-A.
Other names: c.1287G>T, p.Trp429Cys (NM_001278192.2); c.1221G>T, p.Trp407Cys (NM_001278193.2); c.1272G>T, p.Trp424Cys (NM_001278194.2, NM_001329222.2, NM_001329223.2); c.840G>T, p.Trp280Cys (NM_001329224.2, NM_001329225.2); c.1629G>T, p.Trp543Cys (NM_198335.4); short protein forms W280C, W407C, W424C, W429C, W521C, W543C.
Identifiers: ClinVar variation 1701171 (VCV001701171.31), dbSNP rs2134476960, ClinGen allele CA380992424.
Genomic context (GRCh38, chr11:62,630,227, plus strand): 5'-ACGCAGGTCATGGGGAGAGGCCTTCCCTACCTCATAATTGTCATAGCTGAACATGTTAGC[C>A]CACCAGGCCCTCATCGTGGGATTAGTGAAGTCAGGGTAACCAGCTGAGCCTGGGAGAAGT-3'
Protein context (NP_938148.1, residues 511-531): DFTNPTMRAW[Trp521Cys]ANMFSYDNYE

ClinVar aggregate classification (germline): Uncertain significance (1 of 4 stars; one submission).

Submission:

CeGaT Center for Human Genetics Tuebingen
Classification: Uncertain significance. Last evaluated: 2022-07-01. Review status: criteria provided, single submitter. Criteria: CeGaT Center For Human Genetics Tuebingen Variant Classification Criteria Version 2. Collection method: clinical testing. Allele origin: germline. Affected: yes. Observed: 1 variant allele.
Comment: GANAB: PM2